The following is an entry in ClinVar:

ClinVar aggregate classification (germline): Uncertain significance (1 of 4 stars; one submission).

Conditions:
Eichsfeld type congenital muscular dystrophy (CMYO3). Also called: MYOPATHY, SEPN1-RELATED; Rigid spine muscular dystrophy 1; SELENON-related myopathy; Congenital myopathy 3 with rigid spine. Identifiers: MedGen C0410180, MONDO:0100100, OMIM 602771.

Submission:

Labcorp Genetics (formerly Invitae), Labcorp
Classification: Uncertain significance for Eichsfeld type congenital muscular dystrophy. Last evaluated: 2023-08-09. Review status: criteria provided, single submitter. Criteria: Invitae Variant Classification Sherloc (09022015). Collection method: clinical testing. Allele origin: germline.
Comment: This sequence change replaces glutamic acid, which is acidic and polar, with lysine, which is basic and polar, at codon 91 of the SELENON protein (p.Glu91Lys). This variant is not present in population databases (gnomAD no frequency). In summary, the available evidence is currently insufficient to determine the role of this variant in disease. Therefore, it has been classified as a Variant of Uncertain Significance. Advanced modeling of protein sequence and biophysical properties (such as structural, functional, and spatial information, amino acid conservation, physicochemical variation, residue mobility, and thermodynamic stability) performed at Invitae indicates that this missense variant is not expected to disrupt SELENON protein function. ClinVar contains an entry for this variant (Variation ID: 1985220). This variant has not been reported in the literature in individuals affected with SELENON-related conditions.

NM_206926.2(SELENON):c.271G>A (p.Glu91Lys)

Gene: SELENON (selenoprotein N; plus strand). Cytogenetic location: 1p36.11.
Variant type: single nucleotide variant.
Coding change: c.271G>A on transcript NM_206926.2 (MANE Select); coding-DNA position 271, G replaced by A.
Protein change: p.Glu91Lys; replaces glutamic acid 91 with lysine.
Molecular consequence: missense variant.
Genome position (GRCh38, 1-based): chr1:25,801,130, G>A. VCF-style: chr1-25801130-G-A. GRCh37 (hg19) VCF-style: chr1-26127621-G-A.
Other names: c.271G>A, p.Glu91Lys (NM_020451.3); short protein forms E91K.
Identifiers: ClinVar variation 1985220 (VCV001985220.4), dbSNP rs1322590967, ClinGen allele CA339107363.
Genomic context (GRCh38, chr1:25,801,130, plus strand): 5'-GATGGCCTTTTTCTCTTTTCCTCCTTGGACACTGACGGGGATATGTACATCAGCCCTGAG[G>A]AGTTCAAACCCATTGCTGAGAAGCTAACAGGTACCAGGAGAGACTGGCGGCTGGGGAGGA-3'
Protein context (NP_996809.1, residues 81-101): TDGDMYISPE[Glu91Lys]FKPIAEKLTG